The following is an entry in ClinVar:

NM_006922.4(SCN3A):c.2488del (p.Ile830fs)

Gene: SCN3A (sodium voltage-gated channel alpha subunit 3; minus strand). Cytogenetic location: 2q24.3.
Variant type: Deletion.
Coding change: c.2488del on transcript NM_006922.4 (MANE Select); coding-DNA position 2488, one base deleted (A; older notation c.2488delA).
Protein change: p.Ile830fs; shifts the reading frame from isoleucine 830.
Molecular consequence: frameshift variant.
Genome position (GRCh38, 1-based): chr2:165,131,321, T deleted on the plus strand (A on the coding strand, the reverse complement: SCN3A is on the minus strand); the first of 2 consecutive T bases (chr2:165,131,321-165,131,322); deleting either gives the same sequence. VCF-style (leftmost placement, unchanged base first): chr2-165131320-AT-A. GRCh37 (hg19) VCF-style: chr2-165987830-AT-A.
Other names: c.2341del, p.Ile781fs (NM_001081676.2, NM_001081677.2); short protein forms I781fs, I830fs.
Identifiers: ClinVar variation 2823352 (VCV002823352.3), dbSNP rs2468259953, ClinGen allele CA2739271524.

ClinVar aggregate classification (germline): Uncertain significance (1 of 4 stars; one submission).

Submission:

Labcorp Genetics (formerly Invitae), Labcorp
Classification: Uncertain significance. Last evaluated: 2022-12-22. Review status: criteria provided, single submitter. Criteria: Invitae Variant Classification Sherloc (09022015). Collection method: clinical testing. Allele origin: germline.
Comment: This sequence change creates a premature translational stop signal (p.Ile830Leufs*7) in the SCN3A gene. It is expected to result in an absent or disrupted protein product. However, the current clinical and genetic evidence is not sufficient to establish whether loss-of-function variants in SCN3A cause disease. In summary, the available evidence is currently insufficient to determine the role of this variant in disease. Therefore, it has been classified as a Variant of Uncertain Significance. This variant has not been reported in the literature in individuals affected with SCN3A-related conditions. This variant is not present in population databases (gnomAD no frequency).